The following is an entry in ClinVar:

ClinVar aggregate classification (germline): Uncertain significance (1 of 4 stars; one submission).

Submission:

CeGaT Center for Human Genetics Tuebingen
Classification: Uncertain significance. Last evaluated: 2024-01-01. Review status: criteria provided, single submitter. Criteria: CeGaT Center For Human Genetics Tuebingen Variant Classification Criteria Version 2. Collection method: clinical testing. Allele origin: germline. Affected: yes. Observed: 1 variant allele.
Comment: ZMIZ1: PM2

NM_020338.4(ZMIZ1):c.1493C>A (p.Pro498His)

Gene: ZMIZ1 (zinc finger MIZ-type containing 1; plus strand). Cytogenetic location: 10q22.3.
Variant type: single nucleotide variant.
Coding change: c.1493C>A on transcript NM_020338.4 (MANE Select); coding-DNA position 1493, C replaced by A.
Protein change: p.Pro498His; replaces proline 498 with histidine.
Molecular consequence: missense variant.
Genome position (GRCh38, 1-based): chr10:79,298,407, C>A. VCF-style: chr10-79298407-C-A. GRCh37 (hg19) VCF-style: chr10-81058164-C-A.
Other names: short protein forms P498H.
Identifiers: ClinVar variation 3026406 (VCV003026406.22), dbSNP rs2492113585, ClinGen allele CA377337063.